The following is an entry in ClinVar:

ClinVar aggregate classification (germline): Uncertain significance (0 of 4 stars; one submission).

Conditions:
LEPR-related disorder. Also called: LEPR-related condition; LEPR-related disorders.

Submission:

PreventionGenetics, part of Exact Sciences
Classification: Uncertain significance for LEPR-related condition. Last evaluated: 2024-04-11. Review status: no assertion criteria provided. Collection method: clinical testing. Allele origin: germline.
Comment: The LEPR c.1913-2A>C variant is predicted to disrupt the AG splice acceptor site and interfere with normal splicing. This variant is predicted to alter splicing based on available splicing prediction programs (SpliceAI, Jaganathan et al. 2019. PubMed ID: 30661751). To our knowledge, this variant has not been reported in the literature or in gnomAD, indicating this variant is rare. At this time, the clinical significance is uncertain due to the absence of conclusive functional and genetic evidence.

NM_002303.6(LEPR):c.1913-2A>C

Gene: LEPR (leptin receptor; plus strand). Cytogenetic location: 1p31.3.
Variant type: single nucleotide variant.
Coding change: c.1913-2A>C on transcript NM_002303.6 (MANE Select); the canonical splice acceptor site of the intron before coding-DNA position 1913, A replaced by C.
Molecular consequence: splice acceptor variant.
Genome position (GRCh38, 1-based): chr1:65,610,212, A>C. VCF-style: chr1-65610212-A-C. GRCh37 (hg19) VCF-style: chr1-66075895-A-C.
Other names: c.1913-2A>C (NM_001003679.3, NM_001003680.3, NM_001198689.2 and 2 more transcripts).
Identifiers: ClinVar variation 3347659 (VCV003347659.1).